The following is an entry in ClinVar:

NM_032578.4(MYPN):c.2302C>G (p.Pro768Ala)

Gene: MYPN (myopalladin; plus strand). Cytogenetic location: 10q21.3.
Variant type: single nucleotide variant.
Coding change: c.2302C>G on transcript NM_032578.4 (MANE Select); coding-DNA position 2302, C replaced by G.
Protein change: p.Pro768Ala; replaces proline 768 with alanine.
Molecular consequence: missense variant. On other transcripts: non-coding transcript variant (2).
Genome position (GRCh38, 1-based): chr10:68,174,394, C>G. VCF-style: chr10-68174394-C-G. GRCh37 (hg19) VCF-style: chr10-69934151-C-G.
Other names: c.2302C>G, p.Pro768Ala (NM_001256267.2); c.1420C>G, p.Pro474Ala (NM_001256268.2); short protein forms P474A, P768A.
Identifiers: ClinVar variation 1037869 (VCV001037869.6), dbSNP rs772356751, ClinGen allele CA208204204.

ClinVar aggregate classification (germline): Uncertain significance (1 of 4 stars; one submission).

Conditions:
Dilated cardiomyopathy 1KK (CMD1KK). Identifiers: Orphanet 154, Orphanet 75249, MedGen C3714995, MONDO:0014100, OMIM 615248.

Allele frequency attached by ClinVar (database versions not stated): TOPMed below 0.00001.
gnomAD v4.1: 11 of 1,614,146 alleles (0.00068%); highest among the groups gnomAD compares: Non-Finnish European, 0.00068%; no homozygotes.

Submission:

Labcorp Genetics (formerly Invitae), Labcorp
Classification: Uncertain significance for Dilated cardiomyopathy 1KK. Last evaluated: 2021-09-01. Review status: criteria provided, single submitter. Criteria: Invitae Variant Classification Sherloc (09022015). Collection method: clinical testing. Allele origin: germline.
Comment: This sequence change replaces proline with alanine at codon 768 of the MYPN protein (p.Pro768Ala). The proline residue is moderately conserved and there is a small physicochemical difference between proline and alanine. This variant is not present in population databases (ExAC no frequency). This variant has not been reported in the literature in individuals affected with MYPN-related conditions. Algorithms developed to predict the effect of missense changes on protein structure and function (SIFT, PolyPhen-2, Align-GVGD) all suggest that this variant is likely to be tolerated. In summary, the available evidence is currently insufficient to determine the role of this variant in disease. Therefore, it has been classified as a Variant of Uncertain Significance.